The following is an entry in ClinVar:

NM_001042492.3(NF1):c.3739T>A (p.Phe1247Ile)

Gene: NF1 (neurofibromin 1; plus strand). Cytogenetic location: 17q11.2.
Variant type: single nucleotide variant.
Coding change: c.3739T>A on transcript NM_001042492.3 (MANE Select); coding-DNA position 3739, T replaced by A.
Protein change: p.Phe1247Ile; replaces phenylalanine 1247 with isoleucine.
Molecular consequence: missense variant.
Genome position (GRCh38, 1-based): chr17:31,235,641, T>A. VCF-style: chr17-31235641-T-A. GRCh37 (hg19) VCF-style: chr17-29562659-T-A.
Other names: c.3739T>A, p.Phe1247Ile (NM_000267.4); short protein forms F1247I.
Identifiers: ClinVar variation 3384019 (VCV003384019.1).

ClinVar aggregate classification (germline): Likely pathogenic (1 of 4 stars; one submission).

Conditions:
Café-au-lait macules with pulmonary stenosis (WTSN). Also called: PULMONIC STENOSIS WITH CAFE-AU-LAIT SPOTS. Identifiers: MedGen C0553586, MONDO:0008672, OMIM 193520.

Submission:

Dubai Health Genomic Medicine Center, Dubai Health
Classification: Likely pathogenic for Watson syndrome. Last evaluated: 2024-10-04. Review status: criteria provided, single submitter. Criteria: ACMG Guidelines, 2015. Collection method: research. Allele origin: germline. Affected: yes.
Comment: PS2,PP4,PM2,PP3